The following is an entry in ClinVar:

ClinVar aggregate classification (germline): Benign. Review status: reviewed by expert panel (3 of 4 stars). 24 submissions from 23 submitters: Benign (1). 23 of the submissions do not count toward it. Last evaluated 2023-08-10.

Conditions:
CDH1-related diffuse gastric and lobular breast cancer syndrome. Also called: CDH1-related diffuse gastric and lobular breast cancer. Identifiers: MedGen CN311521, MONDO:0100488.
Breast and/or ovarian cancer. Identifiers: MedGen CN221562.
Hereditary cancer-predisposing syndrome. Also called: Tumor predisposition; Hereditary neoplastic syndrome; Hereditary Cancer Syndrome; Neoplastic Syndromes, Hereditary. Identifiers: Orphanet 140162, MedGen C0027672, MeSH D009386, MONDO:0015356.
Prostate cancer. Also called: Malignant tumor of prostate. Identifiers: Orphanet 1331, MedGen C0376358, MONDO:0008315, HP:0012125.
Hereditary diffuse gastric adenocarcinoma (HDGC). Also called: DIFFUSE GASTRIC AND LOBULAR BREAST CANCER SYNDROME. Identifiers: Orphanet 26106, MedGen C1708349, MONDO:0007648, OMIM 137215.
Malignant tumor of breast. Also called: Cancer breast; Malignant breast neoplasm. Identifiers: MedGen C0006142, MONDO:0007254. Disease mechanism: loss of function.

Allele frequency attached by ClinVar (database versions not stated): gnomAD exomes 0.00037 and 0.00090; ExAC 0.00104; ESP Exome Variant Server 0.00231; gnomAD 0.00238 and 0.00255; TOPMed 0.00272; 1000 Genomes Project 30x 0.00312; 1000 Genomes Project 0.00339.
gnomAD v4.1: 938 of 1,614,174 alleles (0.058%); highest among the groups gnomAD compares: African/African-American, 0.72%; 5 homozygotes.

Submissions 1 to 20 of 24:

Clingen Gastric Cancer Variant Curation Expert Panel
Classification: Benign for CDH1-related diffuse gastric and lobular breast cancer syndrome. Last evaluated: 2023-08-10. Review status: reviewed by expert panel. Criteria: ClinGen CDH1 ACMG Specifications V3.1. Collection method: curation. Allele origin: germline. Inheritance: Autosomal dominant inheritance.
Comment: The NM_004360.5(CDH1):c.324A>G (p.Arg108=) variant has an allele frequency of 0.00769 (0.769%, 192/24966 alleles) in the African subpopulation and one homozygote in the European (Non-Finnish) subpopulation of the gnomAD v2.1.1 cohort (BA1; BP2). Therefore, this variant meets criteria to be classified as benign. ACMG/AMP criteria applied, as specified by the CDH1 Variant Curation Expert Panel (Variant Interpretation Guidelines Version 3.1): BA1, BP2.

CeGaT Center for Human Genetics Tuebingen
Classification: Likely benign. Last evaluated: 2026-04-01. Review status: criteria provided, single submitter. Criteria: CeGaT Center For Human Genetics Tuebingen Variant Classification Criteria Version 2. Collection method: clinical testing. Allele origin: germline. Affected: yes. Observed: 3 variant alleles. Not counted in ClinVar's aggregate classification.
Comment: CDH1: BP4, BP7

Labcorp Genetics (formerly Invitae), Labcorp
Classification: Benign for Hereditary diffuse gastric adenocarcinoma. Last evaluated: 2026-02-03. Review status: criteria provided, single submitter. Criteria: Invitae Variant Classification Sherloc (09022015). Collection method: clinical testing. Allele origin: germline. Not counted in ClinVar's aggregate classification.

Center for Genomic Medicine, Rigshospitalet, Copenhagen University Hospital
Classification: Benign. Last evaluated: 2025-03-04. Review status: criteria provided, single submitter. Criteria: ACMG Guidelines, 2015. Collection method: clinical testing. Allele origin: germline. Not counted in ClinVar's aggregate classification.

KCCC/NGS Laboratory, Kuwait Cancer Control Center
Classification: Benign for Hereditary diffuse gastric adenocarcinoma. Last evaluated: 2025-02-01. Review status: criteria provided, single submitter. Criteria: ACMG Guidelines, 2015. Collection method: clinical testing. Allele origin: germline. Affected: no. Not counted in ClinVar's aggregate classification.

Blueprint Genetics
Classification: Likely benign. Last evaluated: 2024-10-08. Review status: criteria provided, single submitter. Criteria: ACMG Guidelines, 2015. Collection method: clinical testing. Allele origin: germline. Not counted in ClinVar's aggregate classification.

Myriad Genetics, Inc.
Classification: Benign for Hereditary diffuse gastric adenocarcinoma. Last evaluated: 2024-09-12. Review status: criteria provided, single submitter. Criteria: Myriad Autosomal Dominant, Autosomal Recessive and X-Linked Classification Criteria (2023). Collection method: clinical testing. Allele origin: unknown. Not counted in ClinVar's aggregate classification.
Comment: This variant is considered benign. This variant is a silent/synonymous amino acid change and it is not expected to impact splicing.

KCCC/NGS Laboratory, Kuwait Cancer Control Center
Classification: Benign for Familial prostate cancer. Last evaluated: 2023-07-07. Review status: criteria provided, single submitter. Criteria: ACMG Guidelines, 2015. Collection method: clinical testing. Allele origin: germline. Affected: yes. Not counted in ClinVar's aggregate classification.

CHEO Genetics Diagnostic Laboratory, Children's Hospital of Eastern Ontario
Classification: Benign for Breast and/or ovarian cancer. Last evaluated: 2023-02-27. Review status: criteria provided, single submitter. Criteria: ACMG Guidelines, 2015. Collection method: clinical testing. Allele origin: germline. Not counted in ClinVar's aggregate classification.

European Reference Network on Genetic Tumour Risk Syndromes (ERN-GENTURIS), i3s - Instituto de Investigação e Inovação em Saúde, University of Porto
Classification: Benign for Hereditary diffuse gastric adenocarcinoma. Last evaluated: 2022-08-01. Review status: criteria provided, single submitter. Criteria: Lee et al. (Hum Mutat. 2018). Collection method: clinical testing. Allele origin: germline. Inheritance: Autosomal dominant inheritance. Affected: no. Study: ERN GENTURIS. Not counted in ClinVar's aggregate classification.
Comment: BA1; BS2; BP2_Strong (PMID: 30311375)

Genetic Services Laboratory, University of Chicago
Classification: Benign. Last evaluated: 2021-10-20. Review status: criteria provided, single submitter. Criteria: ACMG Guidelines, 2015. Collection method: clinical testing. Allele origin: germline. Affected: no. Not counted in ClinVar's aggregate classification.

ARUP Laboratories, Molecular Genetics and Genomics, ARUP Laboratories
Classification: Benign. Last evaluated: 2021-05-08. Review status: criteria provided, single submitter. Criteria: ARUP Molecular Germline Variant Investigation Process 2021. Collection method: clinical testing. Allele origin: germline. Not counted in ClinVar's aggregate classification.

Sema4
Classification: Benign for Hereditary cancer-predisposing syndrome. Last evaluated: 2020-10-26. Review status: criteria provided, single submitter. Criteria: Sema4 Curation Guidelines. Collection method: curation. Allele origin: germline. Not counted in ClinVar's aggregate classification.

Institute for Biomarker Research, Medical Diagnostic Laboratories, L.L.C.
Classification: Likely benign for Hereditary cancer-predisposing syndrome. Last evaluated: 2017-07-12. Review status: criteria provided, single submitter. Criteria: ACMG Guidelines, 2015. Collection method: clinical testing. Allele origin: germline. Not counted in ClinVar's aggregate classification.

PreventionGenetics, part of Exact Sciences
Classification: Benign. Last evaluated: 2017-06-21. Review status: criteria provided, single submitter. Criteria: ACMG Guidelines, 2015. Collection method: clinical testing. Allele origin: germline. Not counted in ClinVar's aggregate classification.

Women's Health and Genetics/Laboratory Corporation of America, LabCorp
Classification: Benign. Last evaluated: 2016-04-11. Review status: criteria provided, single submitter. Criteria: LabCorp Variant Classification Summary - May 2015. Collection method: clinical testing. Allele origin: germline. Not counted in ClinVar's aggregate classification.
Comment: Variant summary: Variant Summary: The c.324G>A (p.Arg108=) in CDH1 gene is a synonymous change that involves a non-conserved nucleotide with a prediction of being a "disease-causing" by mutation taster. 3/5 programs in Alamut predict that this variant does not affect normal splicing, however no functional studies supporting this notion were published at the time of evaluation. The variant is present in the control population dataset of ExAC at an overall allele frequency of 0.1% (126/121336 chrs tested), mainly in individuals of African descent (0.83%; 86/10384 chrs tested). The observed frequency exceeds the maximum expected allele frequency for a pathogenic CDH1 variant (0.0028%), suggesting that it is a common polymorphism. Based on the published reports, the variant of interest was found in affected individuals as well as in unaffected controls. Lastly, the variant has been reported as Benign by multiple reputable database/clinical laboratories. Taken together, the variant was classified as Benign.

Eurofins Ntd Llc (ga)
Classification: Benign. Last evaluated: 2016-02-29. Review status: criteria provided, single submitter. Criteria: EGL Classification Definitions 2015. Collection method: clinical testing. Allele origin: germline. Not counted in ClinVar's aggregate classification.

Color Diagnostics, LLC DBA Color Health
Classification: Benign for Hereditary cancer-predisposing syndrome. Last evaluated: 2015-06-01. Review status: criteria provided, single submitter. Criteria: ACMG Guidelines, 2015. Collection method: clinical testing. Allele origin: germline. Not counted in ClinVar's aggregate classification.

Ambry Genetics
Classification: Likely benign for Hereditary cancer-predisposing syndrome. Last evaluated: 2014-06-17. Review status: criteria provided, single submitter. Criteria: Ambry Variant Classification Scheme 2023. Collection method: clinical testing. Allele origin: germline. Not counted in ClinVar's aggregate classification.

GeneDx
Classification: Benign. Last evaluated: 2014-01-06. Review status: criteria provided, single submitter. Criteria: GeneDx Variant Classification (06012015). Collection method: clinical testing. Allele origin: germline. Affected: yes. Not counted in ClinVar's aggregate classification.
Comment: This variant is considered likely benign or benign based on one or more of the following criteria: it is a conservative change, it occurs at a poorly conserved position in the protein, it is predicted to be benign by multiple in silico algorithms, and/or has population frequency not consistent with disease.

NM_004360.5(CDH1):c.324A>G (p.Arg108=)

Gene: CDH1 (cadherin 1; plus strand). Cytogenetic location: 16q22.1.
Variant type: single nucleotide variant.
Coding change: c.324A>G on transcript NM_004360.5 (MANE Select); coding-DNA position 324, A replaced by G.
Protein change: p.Arg108=; no amino-acid change (arginine 108 retained).
Molecular consequence: synonymous variant. On other transcripts: 5 prime UTR variant (2).
Genome position (GRCh38, 1-based): chr16:68,801,830, A>G. VCF-style: chr16-68801830-A-G. GRCh37 (hg19) VCF-style: chr16-68835733-A-G.
Other names: p.R108R:AGA>AGG; c.324A>G (LRG_301t1); c.324A>G, p.Arg108= (NM_001317184.2); c.-1292A>G (NM_001317185.2); c.-1496A>G (NM_001317186.2).
Identifiers: ClinVar variation 136691 (VCV000136691.70), dbSNP rs116542018, ClinGen allele CA290000.